The following is an entry in ClinVar:

NM_013964.5(NRG1):c.502+30933C>A

Gene: NRG1 (neuregulin 1; plus strand). Cytogenetic location: 8p12.
Variant type: single nucleotide variant.
Coding change: c.502+30933C>A on transcript NM_013964.5 (MANE Select); 30933 bases into the intron after coding-DNA position 502, C replaced by A.
Molecular consequence: intron variant. On other transcripts: missense variant (4).
Genome position (GRCh38, 1-based): chr8:32,647,818, C>A. VCF-style: chr8-32647818-C-A. GRCh37 (hg19) VCF-style: chr8-32505337-C-A.
Other names: c.101C>A, p.Ala34Glu (NM_001322205.2, NM_001322206.2, NM_001322207.2 and 1 more transcripts); c.439+30933C>A (NM_001159999.3); c.388+33254C>A (NM_001159995.3); c.-205+33254C>A (NM_001322201.2); c.337+42135C>A (NM_001160001.3); c.-205+42135C>A (NM_001322202.2); c.1045+42135C>A (NM_013962.3); c.502+30933C>A (NM_013960.5, NM_013956.5, NM_001160004.3 and 4 more transcripts); and 2 more; short protein forms A34E.
Identifiers: ClinVar variation 3038833 (VCV003038833.2), dbSNP rs34918173, ClinGen allele CA4705634.
Genomic context (GRCh38, chr8:32,647,818, plus strand): 5'-AGAGGTCCTCCAGCCCCTCCACTCAGCTGAGTGCAGACCCATCTCTTGATGGGCTTCCGG[C>A]AGCAGAAGACATGCCAGAGCCCCAGACTGAAGATGGGAGAACCCCTGGACTCGTGGGCCT-3'

ClinVar aggregate classification (germline): Benign (0 of 4 stars; one submission).

Conditions:
NRG1-related disorder. Also called: NRG1-related condition.

Allele frequency attached by ClinVar (database versions not stated): ExAC 0.00449; gnomAD 0.01306; TOPMed 0.01443; ESP Exome Variant Server 0.01507; 1000 Genomes Project 0.01577; 1000 Genomes Project 30x 0.01702.
gnomAD v4.1: 3,959 of 1,613,906 alleles (0.25%); highest among the groups gnomAD compares: African/African-American, 4.6%; 84 homozygotes.

Submission:

PreventionGenetics, part of Exact Sciences
Classification: Benign for NRG1-related condition. Last evaluated: 2019-04-16. Review status: no assertion criteria provided. Collection method: clinical testing. Allele origin: germline.
Comment: This variant is classified as benign based on ACMG/AMP sequence variant interpretation guidelines (Richards et al. 2015 PMID: 25741868, with internal and published modifications).